The following is an entry in ClinVar:

NM_000059.4(BRCA2):c.6587A>G (p.Lys2196Arg)

Gene: BRCA2 (BRCA2 DNA repair associated; plus strand). Cytogenetic location: 13q13.1.
Variant type: single nucleotide variant.
Coding change: c.6587A>G on transcript NM_000059.4 (MANE Select); coding-DNA position 6587, A replaced by G.
Protein change: p.Lys2196Arg; replaces lysine 2196 with arginine.
Molecular consequence: missense variant.
Genome position (GRCh38, 1-based): chr13:32,340,942, A>G. VCF-style: chr13-32340942-A-G. GRCh37 (hg19) VCF-style: chr13-32915079-A-G.
Other names: short protein forms K2196R.
Identifiers: ClinVar variation 489772 (VCV000489772.25), dbSNP rs1555284764, ClinGen allele CA387790000.

ClinVar aggregate classification (germline): Conflicting classifications of pathogenicity. Review status: criteria provided, conflicting classifications (1 of 4 stars). 6 submissions from 6 submitters: Uncertain significance (5); Likely benign (1). Last evaluated 2025-07-29.

Conditions:
Hereditary cancer-predisposing syndrome. Also called: Neoplastic Syndromes, Hereditary; Tumor predisposition; Hereditary Cancer Syndrome; Hereditary neoplastic syndrome. Identifiers: Orphanet 140162, MedGen C0027672, MeSH D009386, MONDO:0015356.
Hereditary breast ovarian cancer syndrome. Also called: BRCA1- and BRCA2-Associated Hereditary Breast and Ovarian Cancer; Hereditary breast and ovarian cancer; Breast and ovarian cancer; Hereditary breast and/or ovarian cancer syndrome; Hereditary breast and ovarian cancer syndrome; Hereditary breast and ovarian cancer syndrome (HBOC). Identifiers: Orphanet 145, MedGen C0677776, MeSH D061325, MONDO:0003582. Disease mechanism: loss of function.
Familial cancer of breast. Also called: BREAST CANCER, FAMILIAL; hereditary breast carcinoma; Hereditary breast cancer. Identifiers: Orphanet 227535, MedGen C0346153, MONDO:0016419, OMIM 114480. Disease mechanism: loss of function.
Breast-ovarian cancer, familial, susceptibility to, 2 (BROVCA2). Also called: BRCA2 Hereditary Breast and Ovarian Cancer. Identifiers: Orphanet 145, MedGen C2675520, MONDO:0012933, OMIM 612555. Disease mechanism: loss of function.
Fanconi anemia complementation group D1. Also called: BRCA2-Related Fanconi Anemia. Identifiers: Orphanet 319462, MedGen C1838457, MONDO:0011584, OMIM 605724.
Medulloblastoma (MDB). Also called: Medulloblastoma, somatic; MEDULLOBLASTOMA PREDISPOSITION SYNDROME. Identifiers: Orphanet 616, MedGen C0025149, MeSH D008527, MONDO:0007959, OMIM 155255, HP:0002885.
Wilms tumor 1 (WT1). Also called: Wilms tumor, somatic. Identifiers: Orphanet 654, MedGen CN033288, MONDO:0008679, OMIM 194070.
Pancreatic cancer, susceptibility to, 2. Identifiers: Orphanet 1333, MedGen C3150546, MONDO:0013235, OMIM 613347.
Glioma susceptibility 3 (GLM3). Also called: Glioblastoma 3. Identifiers: Orphanet 182067, Orphanet 360, MedGen C2751641, MONDO:0013093, OMIM 613029.
Familial prostate cancer. Also called: Hereditary Prostate Cancer. Identifiers: MedGen C2931456, MONDO:0700275, OMIM 176807.

Submissions (6):

Labcorp Genetics (formerly Invitae), Labcorp
Classification: Uncertain significance for Hereditary breast ovarian cancer syndrome. Last evaluated: 2025-07-29. Review status: criteria provided, single submitter. Criteria: Invitae Variant Classification Sherloc (09022015). Collection method: clinical testing. Allele origin: germline.
Comment: This sequence change replaces lysine, which is basic and polar, with arginine, which is basic and polar, at codon 2196 of the BRCA2 protein (p.Lys2196Arg). This variant is not present in population databases (gnomAD no frequency). This variant has not been reported in the literature in individuals affected with BRCA2-related conditions. ClinVar contains an entry for this variant (Variation ID: 489772). Invitae Evidence Modeling of protein sequence and biophysical properties (such as structural, functional, and spatial information, amino acid conservation, physicochemical variation, residue mobility, and thermodynamic stability) indicates that this missense variant is not expected to disrupt BRCA2 protein function with a negative predictive value of 95%. In summary, the available evidence is currently insufficient to determine the role of this variant in disease. Therefore, it has been classified as a Variant of Uncertain Significance.

Ambry Genetics
Classification: Uncertain significance for Hereditary cancer-predisposing syndrome. Last evaluated: 2025-03-31. Review status: criteria provided, single submitter. Criteria: Ambry Variant Classification Scheme 2023. Collection method: clinical testing. Allele origin: germline.
Comment: The p.K2196R variant (also known as c.6587A>G), located in coding exon 10 of the BRCA2 gene, results from an A to G substitution at nucleotide position 6587. The lysine at codon 2196 is replaced by arginine, an amino acid with highly similar properties. This amino acid position is not well conserved in available vertebrate species. In addition, the in silico prediction for this alteration is inconclusive. Since supporting evidence is limited at this time, the clinical significance of this alteration remains unclear.

Blueprint Genetics
Classification: Uncertain significance. Last evaluated: 2024-05-31. Review status: criteria provided, single submitter. Criteria: ACMG Guidelines, 2015. Collection method: clinical testing. Allele origin: germline.

Color Diagnostics, LLC DBA Color Health
Classification: Uncertain significance for Hereditary cancer-predisposing syndrome. Last evaluated: 2024-04-23. Review status: criteria provided, single submitter. Criteria: ACMG Guidelines, 2015. Collection method: clinical testing. Allele origin: germline.
Comment: This missense variant replaces lysine with arginine at codon 2196 of the BRCA2 protein. Computational prediction suggests that this variant may not impact protein structure and function. To our knowledge, functional studies have not been reported for this variant. TThis variant has been reported in an individual affected with prostate cancer (PMID: 37842866). This variant has not been identified in the general population by the Genome Aggregation Database (gnomAD). The available evidence is insufficient to determine the role of this variant in disease conclusively. Therefore, this variant is classified as a Variant of Uncertain Significance.

Fulgent Genetics
Classification: Uncertain significance for Familial cancer of breast; Medulloblastoma; Familial prostate cancer; Wilms tumor 1; Fanconi anemia complementation group D1; Breast-ovarian cancer, familial, susceptibility to, 2; Glioma susceptibility 3; Pancreatic cancer, susceptibility to, 2. Last evaluated: 2024-03-01. Review status: criteria provided, single submitter. Criteria: ACMG Guidelines, 2015. Collection method: clinical testing. Allele origin: germline.

University of Washington Department of Laboratory Medicine, University of Washington
Classification: Likely benign for Hereditary cancer-predisposing syndrome. Last evaluated: 2023-03-23. Review status: criteria provided, single submitter. Criteria: Dines et al. (Genet Med. 2020). Collection method: curation. Allele origin: germline.
Comment: Missense variant in a coldspot region where missense variants are very unlikely to be pathogenic (PMID:31911673).

BRCA2 exon 11 coldspot. Reclassification based on statistical prior probability.

Literature cited by the submitters: PubMed 37842866 (cited by Color Diagnostics, LLC DBA Color Health).